The following is an entry in ClinVar:

NM_002907.4(RECQL):c.791A>C (p.Asp264Ala)

Gene: RECQL (RecQ like helicase; minus strand). Cytogenetic location: 12p12.1.
Variant type: single nucleotide variant.
Coding change: c.791A>C on transcript NM_002907.4 (MANE Select); coding-DNA position 791, A replaced by C.
Protein change: p.Asp264Ala; replaces aspartic acid 264 with alanine.
Molecular consequence: missense variant.
Genome position (GRCh38, 1-based): chr12:21,477,879, T>G on the plus strand (A>C on the coding strand, the complement: RECQL is on the minus strand). VCF-style: chr12-21477879-T-G. GRCh37 (hg19) VCF-style: chr12-21630813-T-G.
Other names: c.791A>C, p.Asp264Ala (NM_032941.3); short protein forms D264A.
Identifiers: ClinVar variation 3431784 (VCV003431784.1).

ClinVar aggregate classification (germline): Uncertain significance (1 of 4 stars; one submission).

Submission:

Ambry Genetics
Classification: Uncertain significance. Last evaluated: 2024-07-23. Review status: criteria provided, single submitter. Criteria: Ambry Variant Classification Scheme 2023. Collection method: clinical testing. Allele origin: germline.
Comment: The p.D264A variant (also known as c.791A>C), located in coding exon 6 of the RECQL gene, results from an A to C substitution at nucleotide position 791. The aspartic acid at codon 264 is replaced by alanine, an amino acid with dissimilar properties. This amino acid position is conserved. In addition, this alteration is predicted to be deleterious by in silico analysis. Based on the available evidence, the clinical significance of this variant remains unclear.